The following is an entry in ClinVar:

ClinVar aggregate classification (germline): Conflicting classifications of pathogenicity. Review status: criteria provided, conflicting classifications (1 of 4 stars). 7 submissions from 7 submitters: Uncertain significance (5); Likely benign (1). 1 of the submissions does not count toward it. Last evaluated 2026-07-13.

Conditions:
Inborn genetic diseases. Identifiers: MedGen C0950123, MeSH D030342.
Pulmonary fibrosis and/or bone marrow failure, Telomere-related, 3. Also called: PULMONARY FIBROSIS AND/OR BONE MARROW FAILURE SYNDROME, TELOMERE-RELATED, 3. Identifiers: Orphanet 2032, MedGen C4225346, MONDO:0014613, OMIM 616373.
Dyskeratosis congenita, autosomal recessive 5 (DKCB5). Identifiers: MedGen C3554656, MONDO:0014076, OMIM 615190.
Dyskeratosis congenita. Identifiers: Orphanet 1775, MedGen C0265965, MONDO:0015780.
RTEL1-related disorder. Also called: RTEL1-related condition; RTEL1-related disorders.

Allele frequency attached by ClinVar (database versions not stated): ExAC 0.00004; gnomAD 0.00006 and 0.00007; gnomAD exomes 0.00006; ESP Exome Variant Server 0.00008; 1000 Genomes Project 30x 0.00062; TOPMed 0.00007; 1000 Genomes Project 0.00020.

Submissions (7):

Ambry Genetics
Classification: Likely benign for Inborn genetic diseases. Last evaluated: 2026-07-13. Review status: criteria provided, single submitter. Criteria: Ambry Variant Classification Scheme 2023. Collection method: clinical testing. Allele origin: germline.

PreventionGenetics, part of Exact Sciences
Classification: Uncertain significance for RTEL1-related condition. Last evaluated: 2025-11-14. Review status: criteria provided, single submitter. Criteria: ACMG Guidelines, 2015. Collection method: clinical testing. Allele origin: germline.
Comment: The RTEL1 c.3581G>A variant is predicted to result in the amino acid substitution p.Arg1194Gln. To our knowledge, this variant has not been reported in the literature. This variant is reported in 0.025% of alleles in individuals of Latino descent in gnomAD. At this time, the clinical significance of this variant is uncertain due to the absence of conclusive functional and genetic evidence.

Labcorp Genetics (formerly Invitae), Labcorp
Classification: Uncertain significance for Dyskeratosis congenita, autosomal recessive 5; Pulmonary fibrosis and/or bone marrow failure, Telomere-related, 3. Last evaluated: 2024-10-14. Review status: criteria provided, single submitter. Criteria: Invitae Variant Classification Sherloc (09022015). Collection method: clinical testing. Allele origin: germline.
Comment: This sequence change replaces arginine, which is basic and polar, with glutamine, which is neutral and polar, at codon 1170 of the RTEL1 protein (p.Arg1170Gln). This variant is present in population databases (rs375593361, gnomAD 0.02%). This variant has not been reported in the literature in individuals affected with RTEL1-related conditions. ClinVar contains an entry for this variant (Variation ID: 965867). An algorithm developed to predict the effect of missense changes on protein structure and function outputs the following: PolyPhen-2: "Benign". The glutamine amino acid residue is found in multiple mammalian species, which suggests that this missense change does not adversely affect protein function. In summary, the available evidence is currently insufficient to determine the role of this variant in disease. Therefore, it has been classified as a Variant of Uncertain Significance.

GeneDx
Classification: Uncertain significance. Last evaluated: 2024-02-21. Review status: criteria provided, single submitter. Criteria: GeneDx Variant Classification Process June 2021. Collection method: clinical testing. Allele origin: germline. Affected: yes.
Comment: In silico analysis supports that this missense variant does not alter protein structure/function; Has not been previously published as pathogenic or benign to our knowledge

Johns Hopkins Genomics, Johns Hopkins University
Classification: Uncertain significance for Pulmonary fibrosis and/or bone marrow failure, Telomere-related, 3. Last evaluated: 2021-03-15. Review status: criteria provided, single submitter. Criteria: ACMG Guidelines, 2015. Collection method: clinical testing. Allele origin: germline.
Comment: RTEL1 c.3509G>A (rs375593361) is rare (<0.1%) in a large population dataset (gnomAD: 12/201784 total alleles; 0.0059%; no homozygotes). This RTEL1 variant has not been reported in the literature to our knowledge, but there is an entry for this variant in ClinVar (variation ID: 965867). Three bioinformatic tools queried predict that this substitution would be tolerated, and the arginine residue at this position is not evolutionarily conserved across the species assessed. Bioinformatic analysis predicts that this variant may affect normal exon 34 splicing through creation of a weak cryptic acceptor site, although this has not been confirmed experimentally to our knowledge. We consider the clinical significance of RTEL1 c.3509G>A to be uncertain at this time.

Revvity Omics, Revvity
Classification: Uncertain significance. Last evaluated: 2019-05-10. Review status: criteria provided, single submitter. Criteria: ACMG Guidelines, 2015. Collection method: clinical testing. Allele origin: germline.

Natera, Inc.
Classification: Uncertain significance for Dyskeratosis congenita. Last evaluated: 2020-02-04. Review status: no assertion criteria provided. Collection method: clinical testing. Allele origin: germline. Not counted in ClinVar's aggregate classification.

NM_001283009.2(RTEL1):c.3509G>A (p.Arg1170Gln)

Genes: RTEL1 (regulator of telomere elongation helicase 1; plus strand), RTEL1-TNFRSF6B (RTEL1-TNFRSF6B readthrough (NMD candidate); plus strand). Cytogenetic location: 20q13.33.
Variant type: single nucleotide variant.
Coding change: c.3509G>A on transcript NM_001283009.2 (MANE Select); coding-DNA position 3509, G replaced by A.
Protein change: p.Arg1170Gln; replaces arginine 1170 with glutamine.
Molecular consequence: missense variant. On other transcripts: non-coding transcript variant (1).
Genome position (GRCh38, 1-based): chr20:63,695,337, G>A. VCF-style: chr20-63695337-G-A. GRCh37 (hg19) VCF-style: chr20-62326690-G-A.
Other names: c.2840G>A, p.Arg947Gln (NM_001283010.1); c.3509G>A, p.Arg1170Gln (NM_016434.4); c.3581G>A, p.Arg1194Gln (NM_032957.5); c.3581G>A (NM_032957.4); short protein forms R1170Q, R1194Q, R947Q.
Identifiers: ClinVar variation 965867 (VCV000965867.12), dbSNP rs375593361, ClinGen allele CA9966101.